The following is an entry in ClinVar:

ClinVar aggregate classification (germline): Uncertain significance (1 of 4 stars; one submission).

Allele frequency attached by ClinVar (database versions not stated): gnomAD exomes below 0.00001; gnomAD 0.00001; TOPMed 0.00001.
gnomAD v4.1: 4 of 1,608,242 alleles (0.00025%); highest among the groups gnomAD compares: African/African-American, 0.0027%; no homozygotes.

Submission:

GeneDx
Classification: Uncertain significance. Last evaluated: 2022-06-15. Review status: criteria provided, single submitter. Criteria: GeneDx Variant Classification Process June 2021. Collection method: clinical testing. Allele origin: germline. Affected: yes.
Comment: Not observed at significant frequency in large population cohorts (gnomAD); In silico analysis supports that this missense variant does not alter protein structure/function; Has not been previously published as pathogenic or benign to our knowledge

NM_021614.4(KCNN2):c.919G>A (p.Gly307Ser)

Gene: KCNN2 (potassium calcium-activated channel subfamily N member 2; plus strand). Cytogenetic location: 5q22.3.
Variant type: single nucleotide variant.
Coding change: c.919G>A on transcript NM_021614.4 (MANE Select); coding-DNA position 919, G replaced by A.
Protein change: p.Gly307Ser; replaces glycine 307 with serine.
Molecular consequence: missense variant. On other transcripts: non-coding transcript variant (1).
Genome position (GRCh38, 1-based): chr5:114,363,058, G>A. VCF-style: chr5-114363058-G-A. GRCh37 (hg19) VCF-style: chr5-113698755-G-A.
Other names: c.1117G>A, p.Gly373Ser (NM_001372233.1); short protein forms G307S, G373S.
Identifiers: ClinVar variation 1804247 (VCV001804247.1), dbSNP rs1310126652, ClinGen allele CA360703562.